The following is an entry in ClinVar:

ClinVar aggregate classification (germline): Benign. Review status: reviewed by expert panel (3 of 4 stars). 2 submissions from 2 submitters: Benign (1). 1 of the submissions does not count toward it. Last evaluated 2024-08-28.

Conditions:
Hereditary thrombocytopenia and hematologic cancer predisposition syndrome. Identifiers: Orphanet 71290, MedGen CN281654, MONDO:0011071.
Hereditary thrombocytopenia and hematological cancer predisposition syndrome associated with RUNX1. Also called: PLATELET DISORDER, ASPIRIN-LIKE; RUNX1 Familial Platelet Disorder with Associated Myeloid Malignancies; Familial Platelet Disorder with Propensity to Acute Myelogenous Leukemia; Familial thrombocytopenia with propensity to acute myelogenous leukemia. Identifiers: Orphanet 71290, MedGen C1832388, MeSH C563324, MONDO:0100083, OMIM 601399.

Allele frequency attached by ClinVar (database versions not stated): TOPMed 0.00010; gnomAD 0.00012 and 0.00045; gnomAD exomes 0.00187; 1000 Genomes Project 30x 0.00203; 1000 Genomes Project 0.00240.
gnomAD v4.1: 326 of 297,508 alleles (0.11%); highest among the groups gnomAD compares: East Asian, 2.1%; 8 homozygotes.

Submissions (2):

ClinGen Myeloid Malignancy Variant Curation Expert Panel
Classification: Benign for Hereditary thrombocytopenia and hematologic cancer predisposition syndrome. Last evaluated: 2024-08-28. Review status: reviewed by expert panel. Criteria: ClinGen MyeloMalig ACMG Specifications v2. Collection method: curation. Allele origin: germline. Inheritance: Autosomal dominant inheritance.
Comment: NM_001754.5(RUNX1):c.-135G>T is an intronic variant with a MAF of 0.01272 (1.3%, 66/5190,) in the East Asian subpopulation of gnomAD 3.1.2 cohort is ≥ 0.0015 (0.15%) (BA1). This variant is detected in a homozygous state in 2 indviduals in gnomAD 3.1.2 East Asian cohort (BP2). This intronic variant has a SpliceAI score ≤ 0.20 (Donor Loss 0.12) (BP4). In summary, this variant meets criteria to be classified as benign. ACMG/AMP criteria applied, as specified by the Myeloid Malignancy Variant Curation Expert Panel for RUNX1: BA1, BP2, BP4

Illumina Laboratory Services, Illumina
Classification: Benign for Hereditary thrombocytopenia and hematological cancer predisposition syndrome associated with RUNX1. Last evaluated: 2018-01-12. Review status: criteria provided, single submitter. Criteria: ICSL Variant Classification Criteria 13 December 2019. Collection method: clinical testing. Allele origin: germline. Not counted in ClinVar's aggregate classification.
Comment: This variant was observed in the ICSL laboratory as part of a predisposition screen in an ostensibly healthy population. It had not been previously curated by ICSL or reported in the Human Gene Mutation Database (HGMD: prior to June 1st, 2018), and was therefore a candidate for classification through an automated scoring system. Utilizing variant allele frequency, disease prevalence and penetrance estimates, and inheritance mode, an automated score was calculated to assess if this variant is too frequent to cause the disease. Based on the score and internal cut-off values, a variant classified as benign is not then subjected to further curation. The score for this variant resulted in a classification of benign for this disease.

NM_001754.5(RUNX1):c.-135G>T

Gene: RUNX1 (RUNX family transcription factor 1; minus strand). Cytogenetic location: 21q22.12.
Variant type: single nucleotide variant.
Coding change: c.-135G>T on transcript NM_001754.5 (MANE Select); 135 bases upstream of the start codon, G replaced by T.
Molecular consequence: 5 prime UTR variant.
Genome position (GRCh38, 1-based): chr21:35,049,243, C>A on the plus strand (G>T on the coding strand, the complement: RUNX1 is on the minus strand). VCF-style: chr21-35049243-C-A. GRCh37 (hg19) VCF-style: chr21-36421540-C-A.
Identifiers: ClinVar variation 339883 (VCV000339883.6), dbSNP rs140075488, ClinGen allele CA10650450.